The following is an entry in ClinVar:

NM_024675.4(PALB2):c.3069A>G (p.Gln1023=)

Gene: PALB2 (partner and localizer of BRCA2; minus strand). Cytogenetic location: 16p12.2.
Variant type: single nucleotide variant.
Coding change: c.3069A>G on transcript NM_024675.4 (MANE Select); coding-DNA position 3069, A replaced by G.
Protein change: p.Gln1023=; no amino-acid change (glutamine 1023 retained).
Molecular consequence: synonymous variant.
Genome position (GRCh38, 1-based): chr16:23,621,406, T>C on the plus strand (A>G on the coding strand, the complement: PALB2 is on the minus strand). VCF-style: chr16-23621406-T-C. GRCh37 (hg19) VCF-style: chr16-23632727-T-C.
Identifiers: ClinVar variation 184257 (VCV000184257.20), dbSNP rs786201363, ClinGen allele CA188397.
Genomic context (GRCh38, chr16:23,621,406, plus strand): 5'-TAGAGGGAAAGCTTACCAAATAACAATGTTGTTCATAATAGTAGTACCAAGCAGAGCTTC[T>C]TGCATCCCTTGGACCTCAGCAAAAGTTAGTATAGTCTCCTCAGGGGGCATCAAAAATTGG-3'
Protein context (NP_078951.2, residues 1013-1033): ILTFAEVQGM[Gln1023=]EALLGTTIMN

ClinVar aggregate classification (germline): Benign/Likely benign. Review status: criteria provided, multiple submitters, no conflicts (2 of 4 stars). 4 submissions from 4 submitters: Benign (1); Likely benign (3). Last evaluated 2025-01-21.

Conditions:
Hereditary cancer-predisposing syndrome. Also called: Hereditary neoplastic syndrome; Neoplastic Syndromes, Hereditary; Tumor predisposition; Hereditary Cancer Syndrome. Identifiers: Orphanet 140162, MedGen C0027672, MeSH D009386, MONDO:0015356.
Familial cancer of breast. Also called: BREAST CANCER, FAMILIAL; Hereditary breast cancer; hereditary breast carcinoma. Identifiers: Orphanet 227535, MedGen C0346153, MONDO:0016419, OMIM 114480. Disease mechanism: loss of function.

Submissions (4):

Myriad Genetics, Inc.
Classification: Benign for Familial cancer of breast. Last evaluated: 2025-01-21. Review status: criteria provided, single submitter. Criteria: Myriad Autosomal Dominant, Autosomal Recessive and X-Linked Classification Criteria (2023). Collection method: clinical testing. Allele origin: unknown.
Comment: This variant is considered benign. This variant is a silent/synonymous amino acid change and it is not expected to impact splicing.

Labcorp Genetics (formerly Invitae), Labcorp
Classification: Likely benign for Familial cancer of breast. Last evaluated: 2022-03-27. Review status: criteria provided, single submitter. Criteria: Invitae Variant Classification Sherloc (09022015). Collection method: clinical testing. Allele origin: germline.

Color Diagnostics, LLC DBA Color Health
Classification: Likely benign for Hereditary cancer-predisposing syndrome. Last evaluated: 2020-04-06. Review status: criteria provided, single submitter. Criteria: ACMG Guidelines, 2015. Collection method: clinical testing. Allele origin: germline.

Ambry Genetics
Classification: Likely benign for Hereditary cancer-predisposing syndrome. Last evaluated: 2020-01-24. Review status: criteria provided, single submitter. Criteria: Ambry Variant Classification Scheme 2023. Collection method: clinical testing. Allele origin: germline.